The following is an entry in ClinVar:

ClinVar aggregate classification (germline): Uncertain significance (1 of 4 stars; one submission).

Conditions:
Autosomal recessive limb-girdle muscular dystrophy type 2J (LGMDR10). Also called: Limb-girdle muscular dystrophy, type 2J; MUSCULAR DYSTROPHY, LIMB-GIRDLE, AUTOSOMAL RECESSIVE 10. Identifiers: Orphanet 140922, MedGen C1837342, MONDO:0012127, OMIM 608807.
Dilated cardiomyopathy 1G (CMD1G). Identifiers: Orphanet 154, MedGen C1858763, MONDO:0011400, OMIM 604145.

Submission:

Labcorp Genetics (formerly Invitae), Labcorp
Classification: Uncertain significance for Dilated cardiomyopathy 1G; Autosomal recessive limb-girdle muscular dystrophy type 2J. Last evaluated: 2020-01-28. Review status: criteria provided, single submitter. Criteria: Invitae Variant Classification Sherloc (09022015). Collection method: clinical testing. Allele origin: germline.
Comment: This sequence change falls in intron 73 of the TTN gene. It does not directly change the encoded amino acid sequence of the TTN protein, but it affects a nucleotide within the consensus splice site of the intron. In summary, the available evidence is currently insufficient to determine the role of this variant in disease. Therefore, it has been classified as a Variant of Uncertain Significance. Nucleotide substitutions within the consensus splice site are a relatively common cause of aberrant splicing (PMID: 17576681, 9536098). Algorithms developed to predict the effect of sequence changes on RNA splicing suggest that this variant may disrupt the consensus splice site, but this prediction has not been confirmed by published transcriptional studies. This variant is located in the I band of TTN (PMID: 25589632). Variants in this region may be relevant for neuromuscular disorders, but have not been definitively shown to cause cardiomyopathy (PMID: 23975875). This variant has not been reported in the literature in individuals with TTN-related disease. ClinVar contains an entry for this variant (Variation ID: 577626). This variant is not present in population databases (ExAC no frequency).

Literature cited by the submitters: PubMed 17576681; PubMed 9536098; PubMed 25589632; PubMed 23975875.

NM_001267550.2(TTN):c.21403+5G>A

Genes: TTN (titin; minus strand), LOC126806428 (BRD4-independent group 4 enhancer GRCh37_chr2:179588362-179589561; plus strand). Cytogenetic location: 2q31.2.
Variant type: single nucleotide variant.
Coding change: c.21403+5G>A on transcript NM_001267550.2 (MANE Select); 5 bases into the intron after coding-DNA position 21403, G replaced by A.
Molecular consequence: intron variant.
Genome position (GRCh38, 1-based): chr2:178,723,851, C>T on the plus strand (G>A on the coding strand, the complement: TTN is on the minus strand). VCF-style: chr2-178723851-C-T. GRCh37 (hg19) VCF-style: chr2-179588578-C-T.
Other names: c.20452+5G>A (NM_001256850.1); c.13282+14231G>A (NM_003319.4); c.13858+14231G>A (NM_133437.4); c.13657+14231G>A (NM_133432.3); c.17671+5G>A (NM_133378.4).
Identifiers: ClinVar variation 577626 (VCV000577626.9), dbSNP rs1560709207, ClinGen allele CA430288833.
Genomic context (GRCh38, chr2:178,723,851, plus strand): 5'-AACATAGATGTGCACCTGAAGAGGAATTTGTAAGAAATTCCTTACAAGTTTGACTGTCTA[C>T]TGACCTTGTACAGTTAGCACTGCACGACATTCATCAGACCCAGCGACATTAGCAGCCACG-3'